The following is an entry in ClinVar:

ClinVar aggregate classification (germline): Benign (0 of 4 stars; one submission).

Conditions:
PNPLA5-related disorder. Also called: PNPLA5-related condition.

Allele frequency attached by ClinVar (database versions not stated): TOPMed 0.33248; ESP Exome Variant Server 0.33636; gnomAD 0.34713; 1000 Genomes Project 30x 0.35056; 1000 Genomes Project 0.35403; ExAC 0.39255.
gnomAD v4.1: 601,400 of 1,593,144 alleles (38%); highest among the groups gnomAD compares: South Asian, 46%; 115,106 homozygotes.

Submission:

PreventionGenetics, part of Exact Sciences
Classification: Benign for PNPLA5-related condition. Last evaluated: 2019-10-18. Review status: no assertion criteria provided. Collection method: clinical testing. Allele origin: germline.
Comment: This variant is classified as benign based on ACMG/AMP sequence variant interpretation guidelines (Richards et al. 2015 PMID: 25741868, with internal and published modifications).

NM_138814.4(PNPLA5):c.306T>C (p.Asp102=)

Gene: PNPLA5 (patatin like domain 5, triacylglycerol lipase; minus strand). Cytogenetic location: 22q13.31.
Variant type: single nucleotide variant.
Coding change: c.306T>C on transcript NM_138814.4 (MANE Select); coding-DNA position 306, T replaced by C.
Protein change: p.Asp102=; no amino-acid change (aspartic acid 102 retained).
Molecular consequence: synonymous variant. On other transcripts: 5 prime UTR variant (1), intron variant (1).
Genome position (GRCh38, 1-based): chr22:43,891,182, A>G on the plus strand (T>C on the coding strand, the complement: PNPLA5 is on the minus strand). VCF-style: chr22-43891182-A-G. GRCh37 (hg19) VCF-style: chr22-44287062-A-G.
Other names: c.-159T>C (NM_001371410.1); c.193+506T>C (NM_001177675.2).
Identifiers: ClinVar variation 3059900 (VCV003059900.2), dbSNP rs2071884, ClinGen allele CA10277692.